The following is an entry in ClinVar:

ClinVar aggregate classification (germline): Benign/Likely benign. Review status: criteria provided, multiple submitters, no conflicts (2 of 4 stars). 25 submissions from 18 submitters: Benign (19); Likely benign (2). 4 of the submissions do not count toward it. Last evaluated 2026-02-04.

Conditions:
Cardiovascular phenotype. Identifiers: MedGen CN230736.
Dilated cardiomyopathy 1G (CMD1G). Identifiers: Orphanet 154, MedGen C1858763, MONDO:0011400, OMIM 604145.
Autosomal recessive limb-girdle muscular dystrophy type 2J (LGMDR10). Also called: MUSCULAR DYSTROPHY, LIMB-GIRDLE, AUTOSOMAL RECESSIVE 10; Limb-girdle muscular dystrophy, type 2J. Identifiers: Orphanet 140922, MedGen C1837342, MONDO:0012127, OMIM 608807.
Early-onset myopathy with fatal cardiomyopathy (CMYO5). Also called: CONGENITAL MYOPATHY 5 WITH CARDIOMYOPATHY; Salih Myopathy. Identifiers: Orphanet 289377, MedGen C2673677, MONDO:0012714, OMIM 611705. Disease mechanism: loss of function.
Tibial muscular dystrophy (TMD). Also called: Udd Distal Myopathy – Tibial Muscular Dystrophy; Tibial muscular dystrophy, tardive; UDD MYOPATHY. Identifiers: Orphanet 609, MedGen C1838244, MONDO:0010870, OMIM 600334.
Myopathy, myofibrillar, 9, with early respiratory failure (MFM9). Also called: Myopathy, distal, with early respiratory failure, autosomal dominant; Hereditary myopathy with early respiratory failure; MYOPATHY, PROXIMAL, WITH EARLY RESPIRATORY MUSCLE INVOLVEMENT; EDSTROM MYOPATHY. Identifiers: Orphanet 178464, Orphanet 34521, MedGen C1863599, MONDO:0011362, OMIM 603689.

Allele frequency attached by ClinVar (database versions not stated): gnomAD exomes 0.07413 and 0.04200; 1000 Genomes Project 0.09325; ESP Exome Variant Server 0.04282; gnomAD 0.05644 and 0.06002; 1000 Genomes Project 30x 0.09291; TOPMed 0.06312; ExAC 0.06986.
gnomAD v4.1: 70,797 of 1,613,134 alleles (4.4%); highest among the groups gnomAD compares: Admixed American, 17%; 3,330 homozygotes.

Submissions (25):

Labcorp Genetics (formerly Invitae), Labcorp
Classification: Benign for Dilated cardiomyopathy 1G; Autosomal recessive limb-girdle muscular dystrophy type 2J. Last evaluated: 2026-02-04. Review status: criteria provided, single submitter. Criteria: Invitae Variant Classification Sherloc (09022015). Collection method: clinical testing. Allele origin: germline.

Molecular Diagnostic Laboratory for Inherited Cardiovascular Disease, Montreal Heart Institute
Classification: Benign. Last evaluated: 2025-04-09. Review status: criteria provided, single submitter. Criteria: ACMG Guidelines, 2015. Collection method: clinical testing. Allele origin: germline. Affected: no.

Genome-Nilou Lab
Classification: Benign for Autosomal recessive limb-girdle muscular dystrophy type 2J. Last evaluated: 2021-09-10. Review status: criteria provided, single submitter. Criteria: ACMG Guidelines, 2015. Collection method: clinical testing. Allele origin: germline. Affected: no.

Genome-Nilou Lab
Classification: Benign for Myopathy, myofibrillar, 9, with early respiratory failure. Last evaluated: 2021-09-10. Review status: criteria provided, single submitter. Criteria: ACMG Guidelines, 2015. Collection method: clinical testing. Allele origin: germline. Affected: no.

Genome-Nilou Lab
Classification: Benign for Early-onset myopathy with fatal cardiomyopathy. Last evaluated: 2021-09-10. Review status: criteria provided, single submitter. Criteria: ACMG Guidelines, 2015. Collection method: clinical testing. Allele origin: germline. Affected: no.

Genome-Nilou Lab
Classification: Benign for Tibial muscular dystrophy. Last evaluated: 2021-09-10. Review status: criteria provided, single submitter. Criteria: ACMG Guidelines, 2015. Collection method: clinical testing. Allele origin: germline. Affected: no.

Women's Health and Genetics/Laboratory Corporation of America, LabCorp
Classification: Likely benign. Last evaluated: 2020-08-16. Review status: criteria provided, single submitter. Criteria: LabCorp Variant Classification Summary - May 2015. Collection method: clinical testing. Allele origin: germline.

Athena Diagnostics
Classification: Benign. Last evaluated: 2018-06-21. Review status: criteria provided, single submitter. Criteria: Athena Diagnostics Criteria. Collection method: clinical testing. Allele origin: germline.

Illumina Laboratory Services, Illumina
Classification: Benign for Early-onset myopathy with fatal cardiomyopathy. Last evaluated: 2018-01-13. Review status: criteria provided, single submitter. Criteria: ICSL Variant Classification Criteria 13 December 2019. Collection method: clinical testing. Allele origin: germline.
Comment: This variant was observed in the ICSL laboratory as part of a predisposition screen in an ostensibly healthy population. It had not been previously curated by ICSL or reported in the Human Gene Mutation Database (HGMD: prior to June 1st, 2018), and was therefore a candidate for classification through an automated scoring system. Utilizing variant allele frequency, disease prevalence and penetrance estimates, and inheritance mode, an automated score was calculated to assess if this variant is too frequent to cause the disease. Based on the score and internal cut-off values, a variant classified as benign is not then subjected to further curation. The score for this variant resulted in a classification of benign for this disease.

Illumina Laboratory Services, Illumina
Classification: Benign for Tibial muscular dystrophy. Last evaluated: 2018-01-13. Review status: criteria provided, single submitter. Criteria: ICSL Variant Classification Criteria 13 December 2019. Collection method: clinical testing. Allele origin: germline.
Comment: the same text as in the submission from Illumina Laboratory Services, Illumina above.

Illumina Laboratory Services, Illumina
Classification: Benign for Dilated cardiomyopathy 1G. Last evaluated: 2018-01-13. Review status: criteria provided, single submitter. Criteria: ICSL Variant Classification Criteria 13 December 2019. Collection method: clinical testing. Allele origin: germline.
Comment: the same text as in the submission from Illumina Laboratory Services, Illumina above.

Illumina Laboratory Services, Illumina
Classification: Benign for Autosomal recessive limb-girdle muscular dystrophy type 2J. Last evaluated: 2018-01-13. Review status: criteria provided, single submitter. Criteria: ICSL Variant Classification Criteria 13 December 2019. Collection method: clinical testing. Allele origin: germline.
Comment: the same text as in the submission from Illumina Laboratory Services, Illumina above.

Illumina Laboratory Services, Illumina
Classification: Benign for Myopathy, myofibrillar, 9, with early respiratory failure. Last evaluated: 2018-01-13. Review status: criteria provided, single submitter. Criteria: ICSL Variant Classification Criteria 13 December 2019. Collection method: clinical testing. Allele origin: germline.
Comment: the same text as in the submission from Illumina Laboratory Services, Illumina above.

Mayo Clinic Laboratories, Mayo Clinic
Classification: Benign. Last evaluated: 2017-08-24. Review status: criteria provided, single submitter. Criteria: ACMG Guidelines, 2015. Collection method: clinical testing. Allele origin: germline. Observed: 227 variant alleles.

Eurofins Ntd Llc (ga)
Classification: Benign. Last evaluated: 2014-01-23. Review status: criteria provided, single submitter. Criteria: EGL Classification Definitions 2015. Collection method: clinical testing. Allele origin: germline. Observed: 1 variant allele, 1 heterozygote.

Biesecker Lab/Clinical Genomics Section, National Institutes of Health
Classification: Benign. Last evaluated: 2013-06-24. Review status: criteria provided, single submitter. Criteria: Ng et al. (Circ Cardiovasc Genet. 2013). Collection method: research. Allele origin: unknown. Observed: 45 variant alleles. Study: ClinSeq.
Comment: The study set was not selected for affection status in relation to any cancer. Pathogenicity categories were based on literature curation. See Pubmed ID:23861362 for details.

Medical sequencing

Ambry Genetics
Classification: Benign for Cardiovascular phenotype. Last evaluated: 2012-11-16. Review status: criteria provided, single submitter. Criteria: Ambry Autosomal Dominant and X-Linked criteria (10/2015). Collection method: clinical testing. Allele origin: germline. Observed: 1 variant allele.

GeneDx
Classification: Benign. Last evaluated: 2012-10-26. Review status: criteria provided, single submitter. Criteria: GeneDx Variant Classification (06012015). Collection method: clinical testing. Allele origin: germline. Affected: yes.
Comment: This variant is considered likely benign or benign based on one or more of the following criteria: it is a conservative change, it occurs at a poorly conserved position in the protein, it is predicted to be benign by multiple in silico algorithms, and/or has population frequency not consistent with disease.

Laboratory for Molecular Medicine, Mass General Brigham Personalized Medicine
Classification: Benign. Last evaluated: 2011-09-27. Review status: criteria provided, single submitter. Criteria: LMM Criteria. Collection method: clinical testing. Allele origin: germline. Observed: 188 variant alleles.

Breakthrough Genomics
Classification: Likely benign. Review status: criteria provided, single submitter. Criteria: ACMG Guidelines, 2015. Collection method: not provided. Allele origin: germline. Inheritance: Autosomal recessive inheritance. Affected: yes.

PreventionGenetics, part of Exact Sciences
Classification: Benign. Review status: criteria provided, single submitter. Criteria: ACMG Guidelines, 2015. Collection method: clinical testing. Allele origin: germline.

Clinical Genetics DNA and cytogenetics Diagnostics Lab, Erasmus MC, Erasmus Medical Center
Classification: Benign. Review status: no assertion criteria provided. Collection method: clinical testing. Allele origin: germline. Affected: yes. Study: VKGL Data-share Consensus. Not counted in ClinVar's aggregate classification.

Clinical Genetics, Academic Medical Center
Classification: Benign. Review status: no assertion criteria provided. Collection method: clinical testing. Allele origin: germline. Affected: yes. Study: VKGL Data-share Consensus. Not counted in ClinVar's aggregate classification.

Genetic Services Laboratory, University of Chicago
Classification: Likely benign for AllHighlyPenetrant. Review status: no assertion criteria provided. Collection method: clinical testing. Allele origin: germline. Not counted in ClinVar's aggregate classification.
Comment: Likely benign based on allele frequency in 1000 Genomes Project or ESP global frequency and its presence in a patient with a rare or unrelated disease phenotype. NOT Sanger confirmed.

Joint Genome Diagnostic Labs from Nijmegen and Maastricht, Radboudumc and MUMC+
Classification: Benign. Review status: no assertion criteria provided. Collection method: clinical testing. Allele origin: germline. Affected: yes. Study: VKGL Data-share Consensus. Not counted in ClinVar's aggregate classification.

NM_001267550.2(TTN):c.19301G>A (p.Ser6434Asn)

Gene: TTN (titin; minus strand). Cytogenetic location: 2q31.2.
Variant type: single nucleotide variant.
Coding change: c.19301G>A on transcript NM_001267550.2 (MANE Select); coding-DNA position 19301, G replaced by A.
Protein change: p.Ser6434Asn; replaces serine 6434 with asparagine.
Molecular consequence: missense variant. On other transcripts: intron variant (3).
Genome position (GRCh38, 1-based): chr2:178,728,625, C>T on the plus strand (G>A on the coding strand, the complement: TTN is on the minus strand). VCF-style: chr2-178728625-C-T. GRCh37 (hg19) VCF-style: chr2-179593352-C-T.
Other names: p.S5190N:AGT>AAT; c.18350G>A, p.Ser6117Asn (NM_001256850.1); c.15569G>A, p.Ser5190Asn (NM_133378.4); c.13282+9457G>A (NM_003319.4); c.13858+9457G>A (NM_133437.4); c.13657+9457G>A (NM_133432.3); short protein forms S6434N, S5190N, S6117N.
Identifiers: ClinVar variation 46656 (VCV000046656.39), dbSNP rs11888217, ClinGen allele CA282753.
Genomic context (GRCh38, chr2:178,728,625, plus strand): 5'-TGACCGCTGTCCTGCTTCATTACTGACTGAATTCTAAAACTGGCCACGTTATTTTCAAAA[C>T]TCATTGAAAAGTATCTACTGGGAACTATTTGTTTCCCGTCTTTAAGCCATTTCACTTTGA-3'
Protein context (NP_001254479.2, residues 6424-6444): QIVPSRYFSM[Ser6434Asn]FENNVASFRI